The following is an entry in ClinVar:

ClinVar aggregate classification (germline): Likely benign. Review status: criteria provided, multiple submitters, no conflicts (2 of 4 stars). 4 submissions from 4 submitters: Likely benign (4). Last evaluated 2024-10-07.

Conditions:
Inborn genetic diseases. Identifiers: MedGen C0950123, MeSH D030342.

Allele frequency attached by ClinVar (database versions not stated): ExAC 0.00002; gnomAD 0.00002; gnomAD exomes 0.00003; TOPMed 0.00004.
gnomAD v4.1: 44 of 1,614,008 alleles (0.0027%); highest among the groups gnomAD compares: Middle Eastern, 0.016%; no homozygotes.

Submissions (4):

Labcorp Genetics (formerly Invitae), Labcorp
Classification: Likely benign. Last evaluated: 2024-10-07. Review status: criteria provided, single submitter. Criteria: Invitae Variant Classification Sherloc (09022015). Collection method: clinical testing. Allele origin: germline.

Blueprint Genetics
Classification: Likely benign. Last evaluated: 2024-08-19. Review status: criteria provided, single submitter. Criteria: ACMG Guidelines, 2015. Collection method: clinical testing. Allele origin: germline.

CeGaT Center for Human Genetics Tuebingen
Classification: Likely benign. Last evaluated: 2022-03-01. Review status: criteria provided, single submitter. Criteria: CeGaT Center For Human Genetics Tuebingen Variant Classification Criteria Version 2. Collection method: clinical testing. Allele origin: germline. Affected: yes. Observed: 1 variant allele.
Comment: EPAS1: BP4, BP7

Ambry Genetics
Classification: Likely benign for Inborn genetic diseases. Last evaluated: 2022-02-15. Review status: criteria provided, single submitter. Criteria: Ambry Variant Classification Scheme 2023. Collection method: clinical testing. Allele origin: germline.

NM_001430.5(EPAS1):c.1482C>T (p.Asn494=)

Gene: EPAS1 (endothelial PAS domain protein 1; plus strand). Cytogenetic location: 2p21.
Variant type: single nucleotide variant.
Coding change: c.1482C>T on transcript NM_001430.5 (MANE Select); coding-DNA position 1482, C replaced by T.
Protein change: p.Asn494=; no amino-acid change (asparagine 494 retained).
Molecular consequence: synonymous variant.
Genome position (GRCh38, 1-based): chr2:46,378,695, C>T. VCF-style: chr2-46378695-C-T. GRCh37 (hg19) VCF-style: chr2-46605834-C-T.
Identifiers: ClinVar variation 1773594 (VCV001773594.29), dbSNP rs753347297, ClinGen allele CA1645009.